The following is an entry in ClinVar:

NM_000053.4(ATP7B):c.943A>G (p.Ile315Val)

Gene: ATP7B (ATPase copper transporting beta; minus strand). Cytogenetic location: 13q14.3.
Variant type: single nucleotide variant.
Coding change: c.943A>G on transcript NM_000053.4 (MANE Select); coding-DNA position 943, A replaced by G.
Protein change: p.Ile315Val; replaces isoleucine 315 with valine.
Molecular consequence: missense variant. On other transcripts: intron variant (1).
Genome position (GRCh38, 1-based): chr13:51,974,277, T>C on the plus strand (A>G on the coding strand, the complement: ATP7B is on the minus strand). VCF-style: chr13-51974277-T-C. GRCh37 (hg19) VCF-style: chr13-52548413-T-C.
Other names: c.943A>G, p.Ile315Val (NM_001005918.3, NM_001330578.2, NM_001330579.2); c.802+141A>G (NM_001243182.2); short protein forms I315V.
Identifiers: ClinVar variation 1051989 (VCV001051989.7), dbSNP rs745596221, ClinGen allele CA6989471.

ClinVar aggregate classification (germline): Uncertain significance. Review status: criteria provided, multiple submitters, no conflicts (2 of 4 stars). 3 submissions from 3 submitters: Uncertain significance (2). 1 of the submissions does not count toward it. Last evaluated 2024-04-23.

Conditions:
Wilson disease (WND). Also called: Wilson's disease. Identifiers: Orphanet 905, MedGen C0019202, MONDO:0010200, OMIM 277900. Disease mechanism: loss of function.

Allele frequency attached by ClinVar (database versions not stated): gnomAD exomes below 0.00001 and 0.00001; ExAC 0.00001; TOPMed 0.00001.
gnomAD v4.1: 8 of 1,614,172 alleles (0.0005%); highest among the groups gnomAD compares: Non-Finnish European, 0.00068%; no homozygotes.

Submissions (3):

Fulgent Genetics
Classification: Uncertain significance for Wilson disease. Last evaluated: 2024-04-23. Review status: criteria provided, single submitter. Criteria: ACMG Guidelines, 2015. Collection method: clinical testing. Allele origin: germline.

Labcorp Genetics (formerly Invitae), Labcorp
Classification: Uncertain significance for Wilson disease. Last evaluated: 2021-08-28. Review status: criteria provided, single submitter. Criteria: Invitae Variant Classification Sherloc (09022015). Collection method: clinical testing. Allele origin: germline.
Comment: This sequence change replaces isoleucine with valine at codon 315 of the ATP7B protein (p.Ile315Val). The isoleucine residue is highly conserved and there is a small physicochemical difference between isoleucine and valine. This variant is present in population databases (rs745596221, ExAC 0.002%). This variant has not been reported in the literature in individuals affected with ATP7B-related conditions. Algorithms developed to predict the effect of missense changes on protein structure and function are either unavailable or do not agree on the potential impact of this missense change (SIFT: "Tolerated"; PolyPhen-2: "Probably Damaging"; Align-GVGD: "Class C0"). In summary, the available evidence is currently insufficient to determine the role of this variant in disease. Therefore, it has been classified as a Variant of Uncertain Significance.

Natera, Inc.
Classification: Uncertain significance for Wilson disease. Last evaluated: 2020-08-12. Review status: no assertion criteria provided. Collection method: clinical testing. Allele origin: germline. Not counted in ClinVar's aggregate classification.